The following is an entry in ClinVar:

NM_020975.6(RET):c.1171C>T (p.Leu391Phe)

Gene: RET (ret proto-oncogene; plus strand). Cytogenetic location: 10q11.21.
Variant type: single nucleotide variant.
Coding change: c.1171C>T on transcript NM_020975.6 (MANE Select); coding-DNA position 1171, C replaced by T.
Protein change: p.Leu391Phe; replaces leucine 391 with phenylalanine.
Molecular consequence: missense variant. On other transcripts: intron variant (18).
Genome position (GRCh38, 1-based): chr10:43,109,138, C>T. VCF-style: chr10-43109138-C-T. GRCh37 (hg19) VCF-style: chr10-43604586-C-T.
Other names: c.883C>T, p.Leu295Phe (NM_001406766.1, NM_001406767.1, NM_001406770.1); c.1042C>T, p.Leu348Phe (NM_001406768.1, NM_001406761.1, NM_001406762.1 and 1 more transcripts); c.733C>T, p.Leu245Phe (NM_001406771.1, NM_001406773.1); c.445C>T, p.Leu149Phe (NM_001406775.1, NM_001406776.1, NM_001406777.1 and 1 more transcripts); c.181C>T, p.Leu61Phe (NM_001406784.1); c.1171C>T, p.Leu391Phe (NM_020630.7, NM_001406743.1, NM_001406744.1 and 4 more transcripts); c.868-2069C>T (NM_001406772.1, NM_001406769.1); c.409C>T, p.Leu137Phe (NM_001355216.2); and 5 more; short protein forms L391F, L137F, L245F, L295F, L149F, L348F, L61F.
Identifiers: ClinVar variation 5028180 (VCV005028180.1).
Genomic context (GRCh38, chr10:43,109,138, plus strand): 5'-CAGCTGGCGGTGCTGGTCAATGACTCAGACTTCCAGGGCCCAGGAGCGGGCGTCCTCTTG[C>T]TCCACTTCAACGTGTCGGTGCTGCCGGTCAGCCTGCACCTGCCCAGTACCTACTCCCTCT-3'
Protein context (NP_066124.1, residues 381-401): FQGPGAGVLL[Leu391Phe]HFNVSVLPVS

ClinVar aggregate classification (germline): Uncertain significance (1 of 4 stars; one submission).

Conditions:
Hereditary cancer-predisposing syndrome. Also called: Neoplastic Syndromes, Hereditary; Tumor predisposition; Hereditary neoplastic syndrome; Hereditary Cancer Syndrome. Identifiers: Orphanet 140162, MedGen C0027672, MeSH D009386, MONDO:0015356.

Submission:

Ambry Genetics
Classification: Uncertain significance for Hereditary cancer-predisposing syndrome. Last evaluated: 2026-07-07. Review status: criteria provided, single submitter. Criteria: Ambry Variant Classification Scheme 2023. Collection method: clinical testing. Allele origin: germline.
Comment: The p.L391F variant (also known as c.1171C>T), located in coding exon 6 of the RET gene, results from a C to T substitution at nucleotide position 1171. The leucine at codon 391 is replaced by phenylalanine, an amino acid with highly similar properties. This amino acid position is conserved. In addition, the in silico prediction for this alteration is inconclusive. Based on the available evidence, the clinical significance of this variant remains unclear.